The following is an entry in ClinVar:

ClinVar aggregate classification (germline): Uncertain significance (1 of 4 stars; one submission).

Allele frequency attached by ClinVar (database versions not stated): ExAC 0.00001; gnomAD 0.00005; TOPMed 0.00005; ESP Exome Variant Server 0.00008.
gnomAD v4.1: 25 of 1,613,736 alleles (0.0015%); highest among the groups gnomAD compares: East Asian, 0.0067%; no homozygotes.

Submission:

Labcorp Genetics (formerly Invitae), Labcorp
Classification: Uncertain significance. Last evaluated: 2022-07-06. Review status: criteria provided, single submitter. Criteria: Invitae Variant Classification Sherloc (09022015). Collection method: clinical testing. Allele origin: germline.
Comment: In summary, the available evidence is currently insufficient to determine the role of this variant in disease. Therefore, it has been classified as a Variant of Uncertain Significance. Variants that disrupt the consensus splice site are a relatively common cause of aberrant splicing (PMID: 17576681, 9536098). Algorithms developed to predict the effect of sequence changes on RNA splicing suggest that this variant is not likely to affect RNA splicing. This variant has not been reported in the literature in individuals affected with VAV1-related conditions. This variant is present in population databases (rs375154187, gnomAD 0.008%). This sequence change falls in intron 17 of the VAV1 gene. It does not directly change the encoded amino acid sequence of the VAV1 protein. It affects a nucleotide within the consensus splice site.

Literature cited by the submitters: PubMed 17576681; PubMed 9536098.

NM_005428.4(VAV1):c.1708+4C>T

Gene: VAV1 (vav guanine nucleotide exchange factor 1; plus strand). Cytogenetic location: 19p13.3.
Variant type: single nucleotide variant.
Coding change: c.1708+4C>T on transcript NM_005428.4 (MANE Select); 4 bases into the intron after coding-DNA position 1708, C replaced by T.
Molecular consequence: intron variant.
Genome position (GRCh38, 1-based): chr19:6,833,629, C>T. VCF-style: chr19-6833629-C-T. GRCh37 (hg19) VCF-style: chr19-6833640-C-T.
Other names: c.1708+4C>T (NM_001258206.2); c.1612+4C>T (NM_001258207.2).
Identifiers: ClinVar variation 2174714 (VCV002174714.4), dbSNP rs375154187, ClinGen allele CA9132678.